The following is an entry in ClinVar:

NM_000138.5(FBN1):c.3211del (p.Ile1071fs)

Gene: FBN1 (fibrillin 1; minus strand). Cytogenetic location: 15q21.1.
Variant type: Deletion.
Coding change: c.3211del on transcript NM_000138.5 (MANE Select); coding-DNA position 3211, one base deleted (A; older notation c.3211delA).
Protein change: p.Ile1071fs; shifts the reading frame from isoleucine 1071.
Molecular consequence: frameshift variant.
Genome position (GRCh38, 1-based): chr15:48,488,239, T deleted on the plus strand (A on the coding strand, the reverse complement: FBN1 is on the minus strand). VCF-style (leftmost placement, unchanged base first): chr15-48488238-AT-A. GRCh37 (hg19) VCF-style: chr15-48780435-AT-A.
Other names: c.3211delA (NM_000138.4); short protein forms I1071fs.
Identifiers: ClinVar variation 643962 (VCV000643962.6), dbSNP rs1597564038, ClinGen allele CA915946584.

ClinVar aggregate classification (germline): Pathogenic (1 of 4 stars; one submission).

Conditions:
Familial thoracic aortic aneurysm and aortic dissection (TAAD). Also called: Thoracic aortic aneurysms and dissections. Identifiers: Orphanet 91387, MedGen C4707243, MONDO:0019625.
Marfan syndrome (MFS). Also called: FBN1-Related Marfan Syndrome; Marfan syndrome type 1; Marfan's syndrome; Marfan syndrome, classic; MARFAN SYNDROME, TYPE I. Identifiers: Orphanet 284963, Orphanet 558, MedGen C0024796, MONDO:0007947, OMIM 154700.

Submission:

Labcorp Genetics (formerly Invitae), Labcorp
Classification: Pathogenic for Marfan syndrome; Familial thoracic aortic aneurysm and aortic dissection. Last evaluated: 2018-08-06. Review status: criteria provided, single submitter. Criteria: Invitae Variant Classification Sherloc (09022015). Collection method: clinical testing. Allele origin: germline.
Comment: This sequence change creates a premature translational stop signal (p.Ile1071Leufs*17) in the FBN1 gene. It is expected to result in an absent or disrupted protein product. This variant is not present in population databases (ExAC no frequency). This variant has not been reported in the literature in individuals with FBN1-related disease. Loss-of-function variants in FBN1 are known to be pathogenic (PMID: 17657824, 19293843). For these reasons, this variant has been classified as Pathogenic.

Literature cited by the submitters: PubMed 17657824; PubMed 19293843.